The following is an entry in ClinVar:

NM_181471.3(RFC2):c.226-3C>T

Gene: RFC2 (replication factor C subunit 2; minus strand). Cytogenetic location: 7q11.23.
Variant type: single nucleotide variant.
Coding change: c.226-3C>T on transcript NM_181471.3 (MANE Select); 3 bases into the intron before coding-DNA position 226, C replaced by T.
Molecular consequence: intron variant. On other transcripts: 5 prime UTR variant (2).
Genome position (GRCh38, 1-based): chr7:74,249,121, G>A on the plus strand (C>T on the coding strand, the complement: RFC2 is on the minus strand). VCF-style: chr7-74249121-G-A. GRCh37 (hg19) VCF-style: chr7-73663451-G-A.
Other names: NC_000007.13:g.73663451G>A; c.-81C>T (NM_001278791.2, NM_001278793.2); c.23+618C>T (NM_001278792.2); c.226-3C>T (NM_002914.5).
Identifiers: ClinVar variation 2657587 (VCV002657587.25), dbSNP rs41548312, ClinGen allele CA4295155.

ClinVar aggregate classification (germline): Benign (1 of 4 stars; one submission).

Allele frequency attached by ClinVar (database versions not stated): 1000 Genomes Project 0.00399; 1000 Genomes Project 30x 0.00468; ESP Exome Variant Server 0.01007; TOPMed 0.01017; gnomAD 0.01070; ExAC 0.01197; gnomAD exomes 0.01236.
gnomAD v4.1: 19,887 of 1,613,746 alleles (1.2%); highest among the groups gnomAD compares: Non-Finnish European, 1.3%; 195 homozygotes.

Submissions (40):

CeGaT Center for Human Genetics Tuebingen
Classification: Benign. Last evaluated: 2026-08-01. Review status: criteria provided, single submitter. Criteria: CeGaT Center For Human Genetics Tuebingen Variant Classification Criteria Version 2. Collection method: clinical testing. Allele origin: germline. Affected: yes. Observed: 20 variant alleles.
Comment: RFC2: BP4, BS1, BS2

Dr. Peter K. Rogan Lab, Western University
No classification provided (evidence only). Condition: Clear cell carcinoma of kidney. Review status: no classification provided. Collection method: in vitro. Allele origin: not applicable. Functional consequence: retained intron. Not counted in ClinVar's aggregate classification.

Dr. Peter K. Rogan Lab, Western University
No classification provided (evidence only). Condition: Clear cell carcinoma of kidney. Review status: no classification provided. Collection method: in vitro. Allele origin: not applicable. Functional consequence: retained intron. Not counted in ClinVar's aggregate classification.

Dr. Peter K. Rogan Lab, Western University
No classification provided (evidence only). Condition: Lung cancer. Review status: no classification provided. Collection method: in vitro. Allele origin: not applicable. Functional consequence: retained intron. Not counted in ClinVar's aggregate classification.

Dr. Peter K. Rogan Lab, Western University
No classification provided (evidence only). Condition: Melanoma. Review status: no classification provided. Collection method: in vitro. Allele origin: not applicable. Functional consequence: retained intron. Not counted in ClinVar's aggregate classification.

Dr. Peter K. Rogan Lab, Western University
No classification provided (evidence only). Condition: Melanoma. Review status: no classification provided. Collection method: in vitro. Allele origin: not applicable. Functional consequence: retained intron. Not counted in ClinVar's aggregate classification.

Dr. Peter K. Rogan Lab, Western University
No classification provided (evidence only). Condition: Melanoma. Review status: no classification provided. Collection method: in vitro. Allele origin: not applicable. Functional consequence: retained intron. Not counted in ClinVar's aggregate classification.

Dr. Peter K. Rogan Lab, Western University
No classification provided (evidence only). Condition: Familial cancer of breast. Review status: no classification provided. Collection method: in vitro. Allele origin: not applicable. Functional consequence: retained intron. Not counted in ClinVar's aggregate classification.

Dr. Peter K. Rogan Lab, Western University
No classification provided (evidence only). Condition: Acute myeloid leukemia. Review status: no classification provided. Collection method: in vitro. Allele origin: not applicable. Functional consequence: retained intron. Not counted in ClinVar's aggregate classification.

Dr. Peter K. Rogan Lab, Western University
No classification provided (evidence only). Condition: Acute myeloid leukemia. Review status: no classification provided. Collection method: in vitro. Allele origin: not applicable. Functional consequence: retained intron. Not counted in ClinVar's aggregate classification.

Dr. Peter K. Rogan Lab, Western University
No classification provided (evidence only). Condition: Acute myeloid leukemia. Review status: no classification provided. Collection method: in vitro. Allele origin: not applicable. Functional consequence: retained intron. Not counted in ClinVar's aggregate classification.

Dr. Peter K. Rogan Lab, Western University
No classification provided (evidence only). Condition: Acute myeloid leukemia. Review status: no classification provided. Collection method: in vitro. Allele origin: not applicable. Functional consequence: retained intron. Not counted in ClinVar's aggregate classification.

Dr. Peter K. Rogan Lab, Western University
No classification provided (evidence only). Condition: Colon adenocarcinoma. Review status: no classification provided. Collection method: in vitro. Allele origin: not applicable. Functional consequence: skipped exon. Not counted in ClinVar's aggregate classification.

Dr. Peter K. Rogan Lab, Western University
No classification provided (evidence only). Condition: Colon adenocarcinoma. Review status: no classification provided. Collection method: in vitro. Allele origin: not applicable. Functional consequence: retained intron. Not counted in ClinVar's aggregate classification.

Dr. Peter K. Rogan Lab, Western University
No classification provided (evidence only). Condition: Uterine corpus endometrial carcinoma. Review status: no classification provided. Collection method: in vitro. Allele origin: not applicable. Functional consequence: skipped exon, retained intron. Not counted in ClinVar's aggregate classification.

Dr. Peter K. Rogan Lab, Western University
No classification provided (evidence only). Condition: Cervical cancer. Review status: no classification provided. Collection method: in vitro. Allele origin: not applicable. Functional consequence: retained intron. Not counted in ClinVar's aggregate classification.

Dr. Peter K. Rogan Lab, Western University
No classification provided (evidence only). Condition: Cervical cancer. Review status: no classification provided. Collection method: in vitro. Allele origin: not applicable. Functional consequence: retained intron. Not counted in ClinVar's aggregate classification.

Dr. Peter K. Rogan Lab, Western University
No classification provided (evidence only). Condition: Cervical cancer. Review status: no classification provided. Collection method: in vitro. Allele origin: not applicable. Functional consequence: retained intron. Not counted in ClinVar's aggregate classification.

Dr. Peter K. Rogan Lab, Western University
No classification provided (evidence only). Condition: Cervical cancer. Review status: no classification provided. Collection method: in vitro. Allele origin: not applicable. Functional consequence: skipped exon. Not counted in ClinVar's aggregate classification.

Dr. Peter K. Rogan Lab, Western University
No classification provided (evidence only). Condition: Sarcoma. Review status: no classification provided. Collection method: in vitro. Allele origin: not applicable. Functional consequence: retained intron. Not counted in ClinVar's aggregate classification.

Dr. Peter K. Rogan Lab, Western University
No classification provided (evidence only). Condition: Sarcoma. Review status: no classification provided. Collection method: in vitro. Allele origin: not applicable. Functional consequence: retained intron. Not counted in ClinVar's aggregate classification.

Dr. Peter K. Rogan Lab, Western University
No classification provided (evidence only). Condition: Sarcoma. Review status: no classification provided. Collection method: in vitro. Allele origin: not applicable. Functional consequence: retained intron. Not counted in ClinVar's aggregate classification.

Dr. Peter K. Rogan Lab, Western University
No classification provided (evidence only). Condition: Sarcoma. Review status: no classification provided. Collection method: in vitro. Allele origin: not applicable. Functional consequence: skipped exon, retained intron. Not counted in ClinVar's aggregate classification.

Dr. Peter K. Rogan Lab, Western University
No classification provided (evidence only). Condition: Ovarian serous cystadenocarcinoma. Review status: no classification provided. Collection method: in vitro. Allele origin: not applicable. Functional consequence: retained intron. Not counted in ClinVar's aggregate classification.

Dr. Peter K. Rogan Lab, Western University
No classification provided (evidence only). Condition: Ovarian serous cystadenocarcinoma. Review status: no classification provided. Collection method: in vitro. Allele origin: not applicable. Functional consequence: retained intron. Not counted in ClinVar's aggregate classification.

Dr. Peter K. Rogan Lab, Western University
No classification provided (evidence only). Condition: Ovarian serous cystadenocarcinoma. Review status: no classification provided. Collection method: in vitro. Allele origin: not applicable. Functional consequence: retained intron. Not counted in ClinVar's aggregate classification.

Dr. Peter K. Rogan Lab, Western University
No classification provided (evidence only). Condition: Ovarian serous cystadenocarcinoma. Review status: no classification provided. Collection method: in vitro. Allele origin: not applicable. Functional consequence: retained intron. Not counted in ClinVar's aggregate classification.

Dr. Peter K. Rogan Lab, Western University
No classification provided (evidence only). Condition: Gastric cancer. Review status: no classification provided. Collection method: in vitro. Allele origin: not applicable. Functional consequence: retained intron. Not counted in ClinVar's aggregate classification.

Dr. Peter K. Rogan Lab, Western University
No classification provided (evidence only). Condition: Gastric cancer. Review status: no classification provided. Collection method: in vitro. Allele origin: not applicable. Functional consequence: retained intron. Not counted in ClinVar's aggregate classification.

Dr. Peter K. Rogan Lab, Western University
No classification provided (evidence only). Condition: Gastric cancer. Review status: no classification provided. Collection method: in vitro. Allele origin: not applicable. Functional consequence: retained intron. Not counted in ClinVar's aggregate classification.

Dr. Peter K. Rogan Lab, Western University
No classification provided (evidence only). Condition: Gastric cancer. Review status: no classification provided. Collection method: in vitro. Allele origin: not applicable. Functional consequence: skipped exon. Not counted in ClinVar's aggregate classification.

Dr. Peter K. Rogan Lab, Western University
No classification provided (evidence only). Condition: Uterine carcinosarcoma. Review status: no classification provided. Collection method: in vitro. Allele origin: not applicable. Functional consequence: skipped exon, retained intron. Not counted in ClinVar's aggregate classification.

Dr. Peter K. Rogan Lab, Western University
No classification provided (evidence only). Condition: Uterine carcinosarcoma. Review status: no classification provided. Collection method: in vitro. Allele origin: not applicable. Functional consequence: skipped exon, retained intron. Not counted in ClinVar's aggregate classification.

Dr. Peter K. Rogan Lab, Western University
No classification provided (evidence only). Condition: Malignant tumor of esophagus. Review status: no classification provided. Collection method: in vitro. Allele origin: not applicable. Functional consequence: retained intron. Not counted in ClinVar's aggregate classification.

Dr. Peter K. Rogan Lab, Western University
No classification provided (evidence only). Condition: Malignant tumor of esophagus. Review status: no classification provided. Collection method: in vitro. Allele origin: not applicable. Functional consequence: retained intron. Not counted in ClinVar's aggregate classification.

Dr. Peter K. Rogan Lab, Western University
No classification provided (evidence only). Condition: Chronic lymphocytic leukemia/small lymphocytic lymphoma. Review status: no classification provided. Collection method: in vitro. Allele origin: not applicable. Functional consequence: retained intron. Not counted in ClinVar's aggregate classification.

Dr. Peter K. Rogan Lab, Western University
No classification provided (evidence only). Condition: Chronic lymphocytic leukemia/small lymphocytic lymphoma. Review status: no classification provided. Collection method: in vitro. Allele origin: not applicable. Functional consequence: skipped exon. Not counted in ClinVar's aggregate classification.

Dr. Peter K. Rogan Lab, Western University
No classification provided (evidence only). Condition: Nonpapillary renal cell carcinoma. Review status: no classification provided. Collection method: in vitro. Allele origin: not applicable. Functional consequence: retained intron. Not counted in ClinVar's aggregate classification.

Dr. Peter K. Rogan Lab, Western University
No classification provided (evidence only). Condition: Lymphoma. Review status: no classification provided. Collection method: in vitro. Allele origin: not applicable. Functional consequence: retained intron. Not counted in ClinVar's aggregate classification.

Dr. Peter K. Rogan Lab, Western University
No classification provided (evidence only). Condition: Lymphoma. Review status: no classification provided. Collection method: in vitro. Allele origin: not applicable. Functional consequence: retained intron. Not counted in ClinVar's aggregate classification.